The following is an entry in ClinVar:

NM_152657.4(GGN):c.147C>T (p.Val49=)

Gene: GGN (gametogenetin; minus strand). Cytogenetic location: 19q13.2.
Variant type: single nucleotide variant.
Coding change: c.147C>T on transcript NM_152657.4 (MANE Select); coding-DNA position 147, C replaced by T.
Protein change: p.Val49=; no amino-acid change (valine 49 retained).
Molecular consequence: synonymous variant.
Genome position (GRCh38, 1-based): chr19:38,387,115, G>A on the plus strand (C>T on the coding strand, the complement: GGN is on the minus strand). VCF-style: chr19-38387115-G-A. GRCh37 (hg19) VCF-style: chr19-38877755-G-A.
Identifiers: ClinVar variation 2649790 (VCV002649790.24), dbSNP rs1481312847, ClinGen allele CA507350662.

ClinVar aggregate classification (germline): Likely benign (1 of 4 stars; one submission).

Submission:

CeGaT Center for Human Genetics Tuebingen
Classification: Likely benign. Last evaluated: 2023-05-01. Review status: criteria provided, single submitter. Criteria: CeGaT Center For Human Genetics Tuebingen Variant Classification Criteria Version 2. Collection method: clinical testing. Allele origin: germline. Affected: yes. Observed: 1 variant allele.
Comment: GGN: PM2:Supporting, BP4, BP7